The following is an entry in ClinVar:

ClinVar aggregate classification (germline): Pathogenic (0 of 4 stars; one submission).

Conditions:
Malignant tumor of breast. Also called: Malignant breast neoplasm; Cancer breast. Identifiers: MedGen C0006142, MONDO:0007254. Disease mechanism: loss of function.

Submission:

Department of Pathology and Laboratory Medicine, Sinai Health System
Classification: Pathogenic for Malignant tumor of breast. Review status: no assertion criteria provided. Collection method: clinical testing. Allele origin: unknown. Affected: yes. Study: The Canadian Open Genetics Repository (COGR).
Comment: The BRCA2 p.Cys1348ValfsX26 variant was not identified in the literature nor was it identified in the following databases: dbSNP, ClinVar, COGR, LOVD 3.0, BIC Database, ARUP Laboratories, Zhejiang Colon Cancer Database. The variant was only identified in the UMD-LSDB database (1X causal). The variant was not identified in the 1000 Genomes Project, the NHLBI GO Exome Sequencing Project or the Exome Aggregation Consortium (August 8th 2016) control databases. The c.4042del variant is predicted to cause a frameshift, which alters the protein's amino acid sequence beginning at codon 1348 and leads to a premature stop codon at position 1373. This alteration is then predicted to result in a truncated or absent protein and loss of function. Loss of function variants of the BRCA2 gene are an established mechanism of disease in breast and ovarian cancer and is the type of variant expected to cause the disorder. In summary, based on the above information, this variant meets our laboratoryâ€šÃ„Ã´s criteria to be classified as pathogenic.

NM_000059.4(BRCA2):c.4042del (p.Cys1348fs)

Gene: BRCA2 (BRCA2 DNA repair associated; plus strand). Cytogenetic location: 13q13.1.
Variant type: Deletion.
Coding change: c.4042del on transcript NM_000059.4 (MANE Select); coding-DNA position 4042, one base deleted (T; older notation c.4042delT).
Protein change: p.Cys1348fs; shifts the reading frame from cysteine 1348.
Molecular consequence: frameshift variant.
Genome position (GRCh38, 1-based): chr13:32,338,397, T deleted; the last of 3 consecutive T bases (chr13:32,338,395-32,338,397); deleting any one gives the same sequence. VCF-style (leftmost placement, unchanged base first): chr13-32338394-GT-G. GRCh37 (hg19) VCF-style: chr13-32912531-GT-G.
Other names: short protein forms C1348fs.
Identifiers: ClinVar variation 1048980 (VCV001048980.2), dbSNP rs886037800, ClinGen allele CA2499222152.